The following is an entry in ClinVar:

ClinVar aggregate classification (germline): Uncertain significance (1 of 4 stars; one submission).

Conditions:
Bardet-Biedl syndrome (BBS). Identifiers: Orphanet 110, MedGen C0752166, MONDO:0015229.

Allele frequency attached by ClinVar (database versions not stated): gnomAD exomes below 0.00001; TOPMed below 0.00001.
gnomAD v4.1: 2 of 1,600,606 alleles (0.00012%); highest among the groups gnomAD compares: Admixed American, 0.0017%; no homozygotes.

Submission:

Labcorp Genetics (formerly Invitae), Labcorp
Classification: Uncertain significance for Bardet-Biedl syndrome. Last evaluated: 2022-10-17. Review status: criteria provided, single submitter. Criteria: Invitae Variant Classification Sherloc (09022015). Collection method: clinical testing. Allele origin: germline.
Comment: This sequence change falls in intron 17 of the BBS9 gene. It does not directly change the encoded amino acid sequence of the BBS9 protein. It affects a nucleotide within the consensus splice site. This variant is not present in population databases (gnomAD no frequency). This variant has not been reported in the literature in individuals affected with BBS9-related conditions. Variants that disrupt the consensus splice site are a relatively common cause of aberrant splicing (PMID: 17576681, 9536098). Algorithms developed to predict the effect of sequence changes on RNA splicing suggest that this variant is not likely to affect RNA splicing. In summary, the available evidence is currently insufficient to determine the role of this variant in disease. Therefore, it has been classified as a Variant of Uncertain Significance.

Literature cited by the submitters: PubMed 17576681; PubMed 9536098.

NM_198428.3(BBS9):c.1790-3C>T

Gene: BBS9 (Bardet-Biedl syndrome 9; plus strand). Cytogenetic location: 7p14.3.
Variant type: single nucleotide variant.
Coding change: c.1790-3C>T on transcript NM_198428.3 (MANE Select); 3 bases into the intron before coding-DNA position 1790, C replaced by T.
Molecular consequence: intron variant.
Genome position (GRCh38, 1-based): chr7:33,383,663, C>T. VCF-style: chr7-33383663-C-T. GRCh37 (hg19) VCF-style: chr7-33423275-C-T.
Other names: c.1670-3C>T (NM_001348040.3, NM_014451.4); c.1424-3C>T (NM_001348037.3, NM_001348045.3, NM_001348046.3); c.1655-3C>T (NM_001348042.3); c.1319-3C>T (NM_001348044.3); c.1790-3C>T (NM_001348036.1, NM_001362679.1, NM_001348041.4 and 1 more transcripts); c.1517-3C>T (NM_001348038.3); c.1412-3C>T (NM_001348039.3); c.1775-3C>T (NM_001033605.2); and 1 more.
Identifiers: ClinVar variation 1942911 (VCV001942911.2), dbSNP rs1315285677, ClinGen allele CA573736933.